The following is an entry in ClinVar:

ClinVar aggregate classification (germline): Uncertain significance. Review status: criteria provided, multiple submitters, no conflicts (2 of 4 stars). 2 submissions from 2 submitters: Uncertain significance (2). Last evaluated 2024-12-26.

Conditions:
Congenital myasthenic syndrome 4A. Also called: Myasthenic syndrome, congenital, 4a, slow-channel; CONGENITAL MYASTHENIC SYNDROME TYPE Ia1; MYASTHENIC SYNDROME, CONGENITAL, 4A, SLOW-CHANNEL, AUTOSOMAL RECESSIVE. Identifiers: Orphanet 590, MedGen C4225413, MONDO:0011600, OMIM 605809.

Submissions (2):

Revvity Omics, Revvity
Classification: Uncertain significance. Last evaluated: 2024-12-26. Review status: criteria provided, single submitter. Criteria: ACMG Guidelines, 2015. Collection method: clinical testing. Allele origin: germline.

Labcorp Genetics (formerly Invitae), Labcorp
Classification: Uncertain significance for Congenital myasthenic syndrome 4A. Last evaluated: 2022-05-27. Review status: criteria provided, single submitter. Criteria: Invitae Variant Classification Sherloc (09022015). Collection method: clinical testing. Allele origin: germline.
Comment: This sequence change replaces glycine, which is neutral and non-polar, with arginine, which is basic and polar, at codon 355 of the CHRNE protein (p.Gly355Arg). This variant is not present in population databases (gnomAD no frequency). This variant has not been reported in the literature in individuals affected with CHRNE-related conditions. Advanced modeling of protein sequence and biophysical properties (such as structural, functional, and spatial information, amino acid conservation, physicochemical variation, residue mobility, and thermodynamic stability) performed at Invitae indicates that this missense variant is not expected to disrupt CHRNE protein function. In summary, the available evidence is currently insufficient to determine the role of this variant in disease. Therefore, it has been classified as a Variant of Uncertain Significance.

NM_000080.4(CHRNE):c.1063G>C (p.Gly355Arg)

Genes: CHRNE (cholinergic receptor nicotinic epsilon subunit; minus strand), LOC130060041 (ATAC-STARR-seq lymphoblastoid silent region 8050; plus strand). Cytogenetic location: 17p13.2.
Variant type: single nucleotide variant.
Coding change: c.1063G>C on transcript NM_000080.4 (MANE Select); coding-DNA position 1063, G replaced by C.
Protein change: p.Gly355Arg; replaces glycine 355 with arginine.
Molecular consequence: missense variant.
Genome position (GRCh38, 1-based): chr17:4,899,354, C>G on the plus strand (G>C on the coding strand, the complement: CHRNE is on the minus strand). VCF-style: chr17-4899354-C-G. GRCh37 (hg19) VCF-style: chr17-4802649-C-G.
Other names: short protein forms G355R.
Identifiers: ClinVar variation 2160858 (VCV002160858.2), dbSNP rs2507542110, ClinGen allele CA397300667.